The following is an entry in ClinVar:

NM_001105206.3(LAMA4):c.2668-153A>C

Genes: LAMA4 (laminin subunit alpha 4; minus strand), LOC126859766 (MED14-independent group 3 enhancer GRCh37_chr6:112462018-112463217; plus strand). Cytogenetic location: 6q21.
Variant type: single nucleotide variant.
Coding change: c.2668-153A>C on transcript NM_001105206.3 (MANE Select); 153 bases into the intron before coding-DNA position 2668, A replaced by C.
Molecular consequence: intron variant.
Genome position (GRCh38, 1-based): chr6:112,141,656, T>G on the plus strand (A>C on the coding strand, the complement: LAMA4 is on the minus strand). VCF-style: chr6-112141656-T-G. GRCh37 (hg19) VCF-style: chr6-112462858-T-G.
Other names: c.2647-153A>C (NM_002290.5, NM_001105207.3).
Identifiers: ClinVar variation 675749 (VCV000675749.1), dbSNP rs73766942, ClinGen allele CA144895007.

ClinVar aggregate classification (germline): Likely benign (1 of 4 stars; one submission).

Allele frequency attached by ClinVar (database versions not stated): gnomAD 0.01487 and 0.01527; TOPMed 0.01687; 1000 Genomes Project 30x 0.02608; 1000 Genomes Project 0.02676.
gnomAD v4.1: 2,294 of 152,274 alleles (1.5%); highest among the groups gnomAD compares: East Asian, 7.6%; 51 homozygotes.

Submission:

GeneDx
Classification: Likely benign. Last evaluated: 2018-06-14. Review status: criteria provided, single submitter. Criteria: GeneDx Variant Classification (06012015). Collection method: clinical testing. Allele origin: germline. Affected: yes.
Comment: This variant is considered likely benign or benign based on one or more of the following criteria: it is a conservative change, it occurs at a poorly conserved position in the protein, it is predicted to be benign by multiple in silico algorithms, and/or has population frequency not consistent with disease.